The following is an entry in ClinVar:

ClinVar aggregate classification (germline): Likely pathogenic (1 of 4 stars; one submission).

Conditions:
Congenital hyperammonemia, type I. Also called: CPS I DEFICIENCY; Carbamoyl phosphate synthetase 1 deficiency; Hyperammonemia due to carbamoyl phosphate synthetase 1 deficiency; CPS 1 deficiency; Carbamoyl-phosphate synthase I deficiency; Carbamyl phosphate synthetase (CPS) deficiency. Identifiers: Orphanet 147, MedGen C4082171, MONDO:0009376, OMIM 237300.

Submission:

Labcorp Genetics (formerly Invitae), Labcorp
Classification: Likely pathogenic for Congenital hyperammonemia, type I. Last evaluated: 2022-09-19. Review status: criteria provided, single submitter. Criteria: Invitae Variant Classification Sherloc (09022015). Collection method: clinical testing. Allele origin: germline.
Comment: This sequence change affects an acceptor splice site in intron 22 of the CPS1 gene. It is expected to disrupt RNA splicing. Variants that disrupt the donor or acceptor splice site typically lead to a loss of protein function (PMID: 16199547), and loss-of-function variants in CPS1 are known to be pathogenic (PMID: 21120950). In summary, the currently available evidence indicates that the variant is pathogenic, but additional data are needed to prove that conclusively. Therefore, this variant has been classified as Likely Pathogenic. Algorithms developed to predict the effect of sequence changes on RNA splicing suggest that this variant may disrupt the consensus splice site. This variant has not been reported in the literature in individuals affected with CPS1-related conditions. This variant is not present in population databases (gnomAD no frequency).

Literature cited by the submitters: PubMed 16199547; PubMed 21120950.

NM_001875.5(CPS1):c.2830-1G>C

Gene: CPS1 (carbamoyl-phosphate synthase 1; plus strand). Cytogenetic location: 2q34.
Variant type: single nucleotide variant.
Coding change: c.2830-1G>C on transcript NM_001875.5 (MANE Select); the canonical splice acceptor site of the intron before coding-DNA position 2830, G replaced by C.
Molecular consequence: splice acceptor variant.
Genome position (GRCh38, 1-based): chr2:210,639,149, G>C. VCF-style: chr2-210639149-G-C. GRCh37 (hg19) VCF-style: chr2-211503873-G-C.
Other names: c.2830-1G>C (NM_001369257.1, NM_001122633.3); c.2863-1G>C (NM_001369256.1).
Identifiers: ClinVar variation 2031220 (VCV002031220.4), dbSNP rs1700129715, ClinGen allele CA350431720.